The following is an entry in ClinVar:

ClinVar aggregate classification (germline): Uncertain significance (1 of 4 stars; one submission).

Submission:

Labcorp Genetics (formerly Invitae), Labcorp
Classification: Uncertain significance. Last evaluated: 2022-10-18. Review status: criteria provided, single submitter. Criteria: Invitae Variant Classification Sherloc (09022015). Collection method: clinical testing. Allele origin: germline.
Comment: This variant is not present in population databases (gnomAD no frequency). In summary, the available evidence is currently insufficient to determine the role of this variant in disease. Therefore, it has been classified as a Variant of Uncertain Significance. Advanced modeling of protein sequence and biophysical properties (such as structural, functional, and spatial information, amino acid conservation, physicochemical variation, residue mobility, and thermodynamic stability) performed at Invitae indicates that this missense variant is expected to disrupt TCIRG1 protein function. This variant has not been reported in the literature in individuals affected with TCIRG1-related conditions. This sequence change replaces leucine, which is neutral and non-polar, with phenylalanine, which is neutral and non-polar, at codon 607 of the TCIRG1 protein (p.Leu607Phe).

NM_006019.4(TCIRG1):c.1819C>T (p.Leu607Phe)

Gene: TCIRG1 (T cell immune regulator 1, ATPase H+ transporting V0 subunit a3; plus strand). Cytogenetic location: 11q13.2.
Variant type: single nucleotide variant.
Coding change: c.1819C>T on transcript NM_006019.4 (MANE Select); coding-DNA position 1819, C replaced by T.
Protein change: p.Leu607Phe; replaces leucine 607 with phenylalanine.
Molecular consequence: missense variant.
Genome position (GRCh38, 1-based): chr11:68,049,226, C>T. VCF-style: chr11-68049226-C-T. GRCh37 (hg19) VCF-style: chr11-67816693-C-T.
Other names: c.925C>T, p.Leu309Phe (NM_001351059.2); c.1171C>T, p.Leu391Phe (NM_006053.4); short protein forms L309F, L607F, L391F.
Identifiers: ClinVar variation 2165262 (VCV002165262.4), dbSNP rs2495659192, ClinGen allele CA381587062.
Genomic context (GRCh38, chr11:68,049,226, plus strand): 5'-CTAGTCATCTACAAGTGGCTGTGTGTCTGGGCTGCCAGGGCCGCCTCGGCCCCCAGCATC[C>T]TCATCCACTTCATCAACATGTTCCTCTTCTCCCACAGCCCCAGCAACAGGCTGCTCTACC-3'
Protein context (NP_006010.2, residues 597-617): AARAASAPSI[Leu607Phe]IHFINMFLFS